The following is an entry in ClinVar:

NM_005896.4(IDH1):c.1217_1219del (p.Lys406del)

Gene: IDH1 (isocitrate dehydrogenase (NADP(+)) 1; minus strand). Cytogenetic location: 2q34.
Variant type: Deletion.
Coding change: c.1217_1219del on transcript NM_005896.4 (MANE Select); coding-DNA positions 1217 to 1219, 3 bases deleted (AGA; older notation c.1217_1219delAGA).
Protein change: p.Lys406del; deletes lysine 406.
Genome position (GRCh38, 1-based): chr2:208,237,105-208,237,107, TCT deleted on the plus strand (AGA on the coding strand, the reverse complement: IDH1 is on the minus strand); deleting any 3 consecutive bases within chr2:208,237,105-208,237,109 gives the same sequence; the c. name uses the placement nearest the transcript's 3' end. VCF-style (leftmost placement, unchanged base first): chr2-208237104-ATCT-A. GRCh37 (hg19) VCF-style: chr2-209101828-ATCT-A.
Other names: c.1217_1219del, p.Lys406del (NM_001282386.1, NM_001282387.1); short protein forms K406del.
Identifiers: ClinVar variation 4974596 (VCV004974596.1).

ClinVar aggregate classification (germline): Uncertain significance (1 of 4 stars; one submission).

Conditions:
Enchondromatosis. Also called: ENCHONDROMATOSIS, MULTIPLE, OLLIER TYPE; DYSCHONDROPLASIA; Ollier disease; Multiple cartilaginous enchondroses; Multiple enchondromatosis. Identifiers: Orphanet 296, MedGen C0014084, MONDO:0008145, OMIM 166000, HP:0005701.
Maffucci syndrome. Also called: MULTIPLE ENCHONDROMATOSIS, MAFFUCCI TYPE; Dyschondrodysplasia with Hemangiomas; Enchondromatosis with Multiple Cavernous Hemangiomas; Hemangiomatosis Chondrodystrophica; Multiple Angiomas and Endochondromas; Kast Syndrome. Identifiers: Orphanet 163634, MedGen C0024454, MONDO:0013808, OMIM 614569.

Submission:

Clinical Genomics Laboratory, Washington University in St. Louis
Classification: Uncertain significance for Maffucci syndrome; Enchondromatosis. Last evaluated: 2025-10-13. Review status: criteria provided, single submitter. Criteria: ACMG Guidelines, 2015. Collection method: clinical testing. Allele origin: germline.
Comment: An IDH1 c.1217_1219del (p.Lys406del) variant was identified at a near heterozygous allelic fraction of 43.6%, a frequency which may be consistent with germline origin. This variant, to our knowledge, has not been reported in the medical literature. This variant is only observed on 2/1,605,190 alleles in the general population (gnomAD v4.1.0), indicating it is not a common variant. Due to limited information, and based on ACMG/AMP guidelines for variant interpretation (Richards S et al., PMID: 25741868), the clinical significance of this variant is uncertain at this time.

Literature cited by the submitters: uncertain.